The following is an entry in ClinVar:

NM_054012.4(ASS1):c.1088G>T (p.Arg363Leu)

Gene: ASS1 (argininosuccinate synthase 1; plus strand). Cytogenetic location: 9q34.11.
Variant type: single nucleotide variant.
Coding change: c.1088G>T on transcript NM_054012.4 (MANE Select); coding-DNA position 1088, G replaced by T.
Protein change: p.Arg363Leu; replaces arginine 363 with leucine.
Molecular consequence: missense variant.
Genome position (GRCh38, 1-based): chr9:130,494,984, G>T. VCF-style: chr9-130494984-G-T. GRCh37 (hg19) VCF-style: chr9-133370371-G-T.
Other names: c.1088G>T, p.Arg363Leu (NM_000050.4); short protein forms R363L.
Identifiers: ClinVar variation 4818548 (VCV004818548.3).

ClinVar aggregate classification (germline): Pathogenic/Likely pathogenic. Review status: criteria provided, multiple submitters, no conflicts (2 of 4 stars). 2 submissions from 2 submitters: Pathogenic (1); Likely pathogenic (1). Last evaluated 2025-11-13.

Conditions:
Citrullinemia type I (CTNL1). Also called: argininosuccinate synthetase deficiency; ASS DEFICIENCY. Identifiers: Orphanet 247525, MedGen C4721769, MONDO:0008988, OMIM 215700.

Submissions (2):

Natera, Inc.
Classification: Likely pathogenic for Citrullinemia type I. Last evaluated: 2025-11-13. Review status: criteria provided, single submitter. Criteria: Natera Variant Classification Schema (03/2026). Collection method: clinical testing. Allele origin: germline.
Comment: The c.1088G>T variant in ASS1 is a missense variant predicted to cause substitution of arginine to leucine at amino acid 363. This variant is rare in the general population with a frequency below the threshold expected for the associated phenotype(s). This variant has been observed in one or more individuals affected with the associated recessive disease, as either homozygous or compound heterozygous with a second variant (PMID: 7977368). A different variant at the same position has been determined to be Pathogenic or Likely Pathogenic. Computational prediction algorithms indicate this variant is likely to affect gene or protein function. Given the available evidence, this variant is classified as Likely Pathogenic.

Juno Genomics, Hangzhou Juno Genomics, Inc
Classification: Pathogenic for Citrullinemia type I. Review status: criteria provided, single submitter. Criteria: ACMG Guidelines, 2015. Collection method: clinical testing. Allele origin: germline.
Comment: Absent from controls (or at extremely low frequency if recessive) in Genome Aggregation Database.;Novel missense change at an amino acid residue where a different missense change determined to be pathogenic has been seen before.;Multiple lines of computational evidence support a deleterious effect on the gene or gene product.;For recessive disorders, detected in trans with a pathogenic variant.;Patient's phenotype or family history is highly specific for a disease with a single genetic etiology.

Literature cited by the submitters: PubMed 7977368 (cited by Natera, Inc.).